The following is an entry in ClinVar:

ClinVar aggregate classification (germline): Benign (1 of 4 stars; one submission).

Conditions:
Pheochromocytoma/paraganglioma syndrome 1. Also called: PARAGANGLIOMAS, FAMILIAL NONCHROMAFFIN, 1; PGL 1; Paragangliomas familial 1; PARAGANGLIOMATA; Paragangliomas 1; Glomus tumors familial 1. Identifiers: Orphanet 29072, MedGen C3494181, MONDO:0008192, OMIM 168000.

Submission:

Myriad Genetics, Inc.
Classification: Benign for Pheochromocytoma/paraganglioma syndrome 1. Last evaluated: 2025-03-17. Review status: criteria provided, single submitter. Criteria: Myriad Autosomal Dominant, Autosomal Recessive and X-Linked Classification Criteria (2023). Collection method: clinical testing. Allele origin: unknown.
Comment: This variant is considered benign. This variant is a silent/synonymous amino acid change and it is not expected to impact splicing.

NM_003002.4(SDHD):c.324A>G (p.Gly108=)

Gene: SDHD (succinate dehydrogenase complex subunit D; plus strand). Cytogenetic location: 11q23.1.
Variant type: single nucleotide variant.
Coding change: c.324A>G on transcript NM_003002.4 (MANE Select); coding-DNA position 324, A replaced by G.
Protein change: p.Gly108=; no amino-acid change (glycine 108 retained).
Molecular consequence: synonymous variant. On other transcripts: missense variant (1), 3 prime UTR variant (1), non-coding transcript variant (1).
Genome position (GRCh38, 1-based): chr11:112,094,814, A>G. VCF-style: chr11-112094814-A-G. GRCh37 (hg19) VCF-style: chr11-111965538-A-G.
Other names: c.179A>G, p.Asp60Gly (NM_001276503.2); c.207A>G, p.Gly69= (NM_001276504.2); c.*22A>G (NM_001276506.2); short protein forms D60G.
Identifiers: ClinVar variation 3904664 (VCV003904664.1).